The following is an entry in ClinVar:

ClinVar aggregate classification (germline): Uncertain significance (1 of 4 stars; one submission).

Conditions:
Long QT syndrome (LQTS). Identifiers: MedGen C0023976, MeSH D008133, MONDO:0002442. Disease mechanism: loss of function. Inheritance: Various modes of inheritance.

Submission:

Labcorp Genetics (formerly Invitae), Labcorp
Classification: Uncertain significance for Long QT syndrome. Last evaluated: 2024-08-08. Review status: criteria provided, single submitter. Criteria: Invitae Variant Classification Sherloc (09022015). Collection method: clinical testing. Allele origin: germline.
Comment: This sequence change replaces glycine, which is neutral and non-polar, with glutamic acid, which is acidic and polar, at codon 1002 of the KCNH2 protein (p.Gly1002Glu). The frequency data for this variant in the population databases is considered unreliable, as metrics indicate poor data quality at this position in the gnomAD database. This variant has not been reported in the literature in individuals affected with KCNH2-related conditions. An algorithm developed to predict the effect of missense changes on protein structure and function (PolyPhen-2) suggests that this variant is likely to be disruptive. In summary, the available evidence is currently insufficient to determine the role of this variant in disease. Therefore, it has been classified as a Variant of Uncertain Significance.

NM_000238.4(KCNH2):c.3005G>A (p.Gly1002Glu)

Gene: KCNH2 (potassium voltage-gated channel subfamily H member 2; minus strand). Cytogenetic location: 7q36.1.
Variant type: single nucleotide variant.
Coding change: c.3005G>A on transcript NM_000238.4 (MANE Select); coding-DNA position 3005, G replaced by A.
Protein change: p.Gly1002Glu; replaces glycine 1002 with glutamic acid.
Molecular consequence: missense variant. On other transcripts: non-coding transcript variant (2).
Genome position (GRCh38, 1-based): chr7:150,947,475, C>T on the plus strand (G>A on the coding strand, the complement: KCNH2 is on the minus strand). VCF-style: chr7-150947475-C-T. GRCh37 (hg19) VCF-style: chr7-150644563-C-T.
Other names: c.2717G>A, p.Gly906Glu (NM_001406753.1); c.1985G>A, p.Gly662Glu (NM_172057.3); short protein forms G662E, G1002E, G906E.
Identifiers: ClinVar variation 3709763 (VCV003709763.2).